The following is an entry in ClinVar:

NM_001376.5(DYNC1H1):c.10796dup (p.Ile3600fs)

Gene: DYNC1H1 (dynein cytoplasmic 1 heavy chain 1; plus strand). Cytogenetic location: 14q32.31.
Variant type: Duplication.
Coding change: c.10796dup on transcript NM_001376.5 (MANE Select); coding-DNA position 10796, one base duplicated (T; older notation c.10796dupT).
Protein change: p.Ile3600fs; shifts the reading frame from isoleucine 3600.
Molecular consequence: frameshift variant.
Genome position (GRCh38, 1-based): chr14:102,036,530, T duplicated; the last of 2 consecutive T bases (chr14:102,036,529-102,036,530); duplicating either gives the same sequence. VCF-style (leftmost placement, unchanged base first): chr14-102036528-A-AT. GRCh37 (hg19) VCF-style: chr14-102502865-A-AT.
Other names: short protein forms I3600fs.
Identifiers: ClinVar variation 3729834 (VCV003729834.2).

ClinVar aggregate classification (germline): Uncertain significance (1 of 4 stars; one submission).

Conditions:
Charcot-Marie-Tooth disease axonal type 2O. Also called: CHARCOT-MARIE-TOOTH NEUROPATHY, AXONAL, TYPE 2O; CHARCOT-MARIE-TOOTH DISEASE, AXONAL, AUTOSOMAL DOMINANT, TYPE 2O; Charcot-Marie-Tooth Neuropathy Type 2O; Charcot-Marie-Tooth disease, axonal, type 20. Identifiers: Orphanet 284232, MedGen C3280220, MONDO:0013644, OMIM 614228.

Submission:

Labcorp Genetics (formerly Invitae), Labcorp
Classification: Uncertain significance for Charcot-Marie-Tooth disease axonal type 2O. Last evaluated: 2025-02-19. Review status: criteria provided, single submitter. Criteria: Invitae Variant Classification Sherloc (09022015). Collection method: clinical testing. Allele origin: germline.
Comment: This sequence change creates a premature translational stop signal (p.Ile3600Hisfs*4) in the DYNC1H1 gene. It is expected to result in an absent or disrupted protein product. However, the current clinical and genetic evidence is not sufficient to establish whether loss-of-function variants in DYNC1H1 cause disease. This variant is not present in population databases (gnomAD no frequency). This variant has not been reported in the literature in individuals affected with DYNC1H1-related conditions. In summary, the available evidence is currently insufficient to determine the role of this variant in disease. Therefore, it has been classified as a Variant of Uncertain Significance.